The following is an entry in ClinVar:

ClinVar aggregate classification (germline): Likely benign (1 of 4 stars; one submission).

Allele frequency attached by ClinVar (database versions not stated): gnomAD 0.00001; TOPMed 0.00002; ExAC 0.00003; gnomAD exomes 0.00003.
gnomAD v4.1: 35 of 1,205,883 alleles (0.0029%); highest among the groups gnomAD compares: Non-Finnish European, 0.0038%; no homozygotes.

Submission:

CeGaT Center for Human Genetics Tuebingen
Classification: Likely benign. Last evaluated: 2022-12-01. Review status: criteria provided, single submitter. Criteria: CeGaT Center For Human Genetics Tuebingen Variant Classification Criteria Version 2. Collection method: clinical testing. Allele origin: germline. Affected: yes. Observed: 1 variant allele.
Comment: ABCB7: BP4, BP7

NM_001271696.3(ABCB7):c.264A>G (p.Pro88=)

Gene: ABCB7 (ATP binding cassette subfamily B member 7; minus strand). Cytogenetic location: Xq13.3.
Variant type: single nucleotide variant.
Coding change: c.264A>G on transcript NM_001271696.3 (MANE Select); coding-DNA position 264, A replaced by G.
Protein change: p.Pro88=; no amino-acid change (proline 88 retained).
Molecular consequence: synonymous variant.
Genome position (GRCh38, 1-based): chrX:75,112,955, T>C on the plus strand (A>G on the coding strand, the complement: ABCB7 is on the minus strand). VCF-style: chrX-75112955-T-C. GRCh37 (hg19) VCF-style: chrX-74332790-T-C.
Other names: c.264A>G, p.Pro88= (NM_001271697.3); c.186A>G, p.Pro62= (NM_001271698.3); c.267A>G, p.Pro89= (NM_001271699.3, NM_004299.6).
Identifiers: ClinVar variation 2660942 (VCV002660942.24), dbSNP rs760045605, ClinGen allele CA10455551.
Genomic context (GRCh38, chrX:75,112,955, plus strand): 5'-TGGGTCTGTGTGGAGTCCTCCTCCTGCATGACCATGCCAACATGTCCTCTTTTCTATCAG[T>C]GGCCATACCTGGAGAGCCTAATTGAAGATGATACCAAGCAGTCCGTTAGCTATTACAGAA-3'
Protein context (NP_001258625.1, residues 78-98): LDAAKALQVW[Pro88=]LIEKRTCWHG